The following is an entry in ClinVar:

NM_024675.4(PALB2):c.1293T>G (p.Ser431Arg)

Gene: PALB2 (partner and localizer of BRCA2; minus strand). Cytogenetic location: 16p12.2.
Variant type: single nucleotide variant.
Coding change: c.1293T>G on transcript NM_024675.4 (MANE Select); coding-DNA position 1293, T replaced by G.
Protein change: p.Ser431Arg; replaces serine 431 with arginine.
Molecular consequence: missense variant.
Genome position (GRCh38, 1-based): chr16:23,635,253, A>C on the plus strand (T>G on the coding strand, the complement: PALB2 is on the minus strand). VCF-style: chr16-23635253-A-C. GRCh37 (hg19) VCF-style: chr16-23646574-A-C.
Other names: short protein forms S431R.
Identifiers: ClinVar variation 460887 (VCV000460887.19), dbSNP rs1555461355, ClinGen allele CA395132495.
Genomic context (GRCh38, chr16:23,635,253, plus strand): 5'-TAAATTTTTACTTGCATCCTTATTTTTATTTTTAAACCCTTTTTTCTTGACATCCAAATG[A>C]CTCTGAATGACAGCCTCCACGGCTACTTTCCTCTGGCAATTGGACATGCTTCGTGTTGTT-3'
Protein context (NP_078951.2, residues 421-441): RKVAVEAVIQ[Ser431Arg]HLDVKKKGFK

ClinVar aggregate classification (germline): Uncertain significance. Review status: criteria provided, multiple submitters, no conflicts (2 of 4 stars). 3 submissions from 3 submitters: Uncertain significance (3). Last evaluated 2025-03-18.

Conditions:
Familial cancer of breast. Also called: BREAST CANCER, FAMILIAL; Hereditary breast cancer; hereditary breast carcinoma. Identifiers: Orphanet 227535, MedGen C0346153, MONDO:0016419, OMIM 114480. Disease mechanism: loss of function.
Hereditary cancer-predisposing syndrome. Also called: Neoplastic Syndromes, Hereditary; Hereditary Cancer Syndrome; Hereditary neoplastic syndrome; Tumor predisposition. Identifiers: Orphanet 140162, MedGen C0027672, MeSH D009386, MONDO:0015356.

Submissions (3):

Ambry Genetics
Classification: Uncertain significance for Hereditary cancer-predisposing syndrome. Last evaluated: 2025-03-18. Review status: criteria provided, single submitter. Criteria: Ambry Variant Classification Scheme 2023. Collection method: clinical testing. Allele origin: germline.
Comment: The p.S431R variant (also known as c.1293T>G), located in coding exon 4 of the PALB2 gene, results from a T to G substitution at nucleotide position 1293. The serine at codon 431 is replaced by arginine, an amino acid with dissimilar properties. This amino acid position is well conserved in available vertebrate species. In addition, this alteration is predicted to be tolerated by in silico analysis. Since supporting evidence is limited at this time, the clinical significance of this alteration remains unclear.

Genetic Services Laboratory, University of Chicago
Classification: Uncertain significance. Last evaluated: 2021-05-19. Review status: criteria provided, single submitter. Criteria: ACMG Guidelines, 2015. Collection method: clinical testing. Allele origin: germline. Affected: no.
Comment: DNA sequence analysis of the PALB2 gene demonstrated a sequence change, c.1293T>G, in exon 4 that results in an amino acid change, p.Ser431Arg. This sequence change is absent from known population databases (gnomAD). The p.Ser431Arg change affects a highly conserved amino acid residue located in a domain of the PALB2 protein that is not known to be functional. In-silico pathogenicity prediction tools (SIFT, PolyPhen2, Align GVGD, REVEL) provide contradictory results for the p.Ser431Arg substitution. This sequence change does not appear to have been previously described in patients with PALB2-related disorders. Due to the lack of sufficient evidences, the clinical significance of the p.Ser431Arg change remains unknown at this time.

Labcorp Genetics (formerly Invitae), Labcorp
Classification: Uncertain significance for Familial cancer of breast. Last evaluated: 2020-10-03. Review status: criteria provided, single submitter. Criteria: Invitae Variant Classification Sherloc (09022015). Collection method: clinical testing. Allele origin: germline.
Comment: This variant has not been reported in the literature in individuals with PALB2-related disease. ClinVar contains an entry for this variant (Variation ID: 460887). This variant is not present in population databases (ExAC no frequency). This sequence change replaces serine with arginine at codon 431 of the PALB2 protein (p.Ser431Arg). The serine residue is highly conserved and there is a moderate physicochemical difference between serine and arginine. Algorithms developed to predict the effect of missense changes on protein structure and function are either unavailable or do not agree on the potential impact of this missense change (SIFT: "Deleterious"; PolyPhen-2: "Probably Damaging"; Align-GVGD: "Class C0"). In summary, the available evidence is currently insufficient to determine the role of this variant in disease. Therefore, it has been classified as a Variant of Uncertain Significance.